The following is an entry in ClinVar:

ClinVar aggregate classification (germline): Benign/Likely benign. Review status: criteria provided, multiple submitters, no conflicts (2 of 4 stars). 10 submissions from 10 submitters: Benign (7); Likely benign (2). 1 of the submissions does not count toward it. Last evaluated 2026-02-03.

Conditions:
Primary ciliary dyskinesia. Also called: Ciliary dyskinesia. Identifiers: Orphanet 244, MedGen C0008780, MONDO:0016575, HP:0012265.
Primary ciliary dyskinesia 2. Also called: CILIARY DYSKINESIA, PRIMARY, 2, WITH OR WITHOUT SITUS INVERSUS. Identifiers: Orphanet 244, MedGen C1847554, MONDO:0011718, OMIM 606763.

Allele frequency attached by ClinVar (database versions not stated): ExAC 0.17259; gnomAD exomes 0.18369 and 0.34803; 1000 Genomes Project 0.22704; ESP Exome Variant Server 0.23335; 1000 Genomes Project 30x 0.23454; TOPMed 0.25857; gnomAD 0.27073 and 0.27290.
gnomAD v4.1: 252,131 of 750,756 alleles (34%); highest among the groups gnomAD compares: African/African-American, 56%; 25,479 homozygotes.

Submissions (10):

Labcorp Genetics (formerly Invitae), Labcorp
Classification: Benign for Primary ciliary dyskinesia. Last evaluated: 2026-02-03. Review status: criteria provided, single submitter. Criteria: Invitae Variant Classification Sherloc (09022015). Collection method: clinical testing. Allele origin: germline.

Blueprint Genetics
Classification: Likely benign. Last evaluated: 2024-11-28. Review status: criteria provided, single submitter. Criteria: ACMG Guidelines, 2015. Collection method: clinical testing. Allele origin: germline.

Mayo Clinic Laboratories, Mayo Clinic
Classification: Benign. Last evaluated: 2022-04-26. Review status: criteria provided, single submitter. Criteria: ACMG Guidelines, 2015. Collection method: clinical testing. Allele origin: germline. Observed: 65 variant alleles.

GeneDx
Classification: Benign. Last evaluated: 2018-07-09. Review status: criteria provided, single submitter. Criteria: GeneDx Variant Classification Process June 2021. Collection method: clinical testing. Allele origin: germline. Affected: yes.

Ambry Genetics
Classification: Benign for Primary ciliary dyskinesia. Last evaluated: 2016-07-15. Review status: criteria provided, single submitter. Criteria: Ambry Variant Classification Scheme 2023. Collection method: clinical testing. Allele origin: germline.

Laboratory for Molecular Medicine, Mass General Brigham Personalized Medicine
Classification: Benign. Last evaluated: 2016-03-28. Review status: criteria provided, single submitter. Criteria: LMM Criteria. Collection method: clinical testing. Allele origin: germline.
Comment: Variant identified in a genome or exome case(s) and assessed due to predicted null impact of the variant or pathogenic assertions in the literature or databases. Disclaimer: This variant has not undergone full assessment. The following are preliminary notes: Frequency

Clinical Genetics DNA and cytogenetics Diagnostics Lab, Erasmus MC, Erasmus Medical Center
Classification: Benign for Primary ciliary dyskinesia 2. Last evaluated: 2015-09-21. Review status: criteria provided, single submitter. Criteria: ACGS Guidelines, 2013. Collection method: clinical testing. Allele origin: germline. Affected: yes. Study: VKGL Data-share Consensus.

Breakthrough Genomics
Classification: Likely benign. Review status: criteria provided, single submitter. Criteria: ACMG Guidelines, 2015. Collection method: not provided. Allele origin: germline. Inheritance: Autosomal recessive inheritance. Affected: yes.

PreventionGenetics, part of Exact Sciences
Classification: Benign. Review status: criteria provided, single submitter. Criteria: ACMG Guidelines, 2015. Collection method: clinical testing. Allele origin: germline.

Diagnostic Laboratory, Department of Genetics, University Medical Center Groningen
Classification: Benign for Primary ciliary dyskinesia 2. Review status: no assertion criteria provided. Collection method: clinical testing. Allele origin: germline. Affected: yes. Study: VKGL Data-share Consensus. Not counted in ClinVar's aggregate classification.

NM_001256715.2(DNAAF3):c.666T>C (p.Ala222=)

Genes: DNAAF3 (dynein axonemal assembly factor 3; minus strand), DNAAF3-AS1 (DNAAF3 antisense RNA 1; plus strand). Cytogenetic location: 19q13.42.
Variant type: single nucleotide variant.
Coding change: c.666T>C on transcript NM_001256715.2 (MANE Select); coding-DNA position 666, T replaced by C.
Protein change: p.Ala222=; no amino-acid change (alanine 222 retained).
Molecular consequence: synonymous variant.
Genome position (GRCh38, 1-based): chr19:55,161,416, A>G on the plus strand (T>C on the coding strand, the complement: DNAAF3 is on the minus strand). VCF-style: chr19-55161416-A-G. GRCh37 (hg19) VCF-style: chr19-55672784-A-G.
Other names: p.Ala290=; c.870T>C, p.Ala290= (NM_001256714.1); c.504T>C, p.Ala168= (NM_001256716.2); c.807T>C, p.Ala269= (NM_178837.4).
Identifiers: ClinVar variation 257694 (VCV000257694.25), dbSNP rs7260320, ClinGen allele CA9668096.
Genomic context (GRCh38, chr19:55,161,416, plus strand): 5'-GAGTTCAAAGGCGACGCCTGTGTCCCGCCAGCGTCGGAACTCCTGGGGGTGAATGACTTG[A>G]GCCTGGGGTGGGGGGCGGGAAGAAGGGAGCCCTCAGTGAACCGAGCGTGGAGAGACCCCT-3'
Protein context (NP_001243644.1, residues 212-232): DLRMKLHDRG[Ala222=]QVIHPQEFRR